The following is an entry in ClinVar:

NM_015122.3(FCHO1):c.2365C>T (p.Gln789Ter)

Gene: FCHO1 (FCH and mu domain containing endocytic adaptor 1; plus strand). Cytogenetic location: 19p13.11.
Variant type: single nucleotide variant.
Coding change: c.2365C>T on transcript NM_015122.3 (MANE Select); coding-DNA position 2365, C replaced by T.
Protein change: p.Gln789Ter; replaces glutamine 789 with a stop codon.
Molecular consequence: nonsense. On other transcripts: non-coding transcript variant (35), intron variant (5).
Genome position (GRCh38, 1-based): chr19:17,784,863, C>T. VCF-style: chr19-17784863-C-T. GRCh37 (hg19) VCF-style: chr19-17895672-C-T.
Other names: c.2365C>T, p.Gln789Ter (NM_001161357.2, NM_001161358.2, NM_001384370.1 and 11 more transcripts); c.2215C>T, p.Gln739Ter (NM_001161359.2, NM_001384384.1, NM_001384385.1 and 1 more transcripts); c.2344C>T, p.Gln782Ter (NM_001384387.1); c.2089C>T, p.Gln697Ter (NM_001384399.1, NM_001384400.1, NM_001384401.1 and 4 more transcripts); c.2044C>T, p.Gln682Ter (NM_001384403.1); c.1950+628C>T (NM_001384404.1); c.1800+628C>T (NM_001384406.1); c.1523+1691C>T (NM_001384407.1); and 5 more; short protein forms Q739*, Q750*, Q776*, Q764*, Q789*, Q682*, Q697*, Q782*.
Identifiers: ClinVar variation 3721416 (VCV003721416.2).

ClinVar aggregate classification (germline): Pathogenic (1 of 4 stars; one submission).

Submission:

Labcorp Genetics (formerly Invitae), Labcorp
Classification: Pathogenic. Last evaluated: 2024-11-21. Review status: criteria provided, single submitter. Criteria: Invitae Variant Classification Sherloc (09022015). Collection method: clinical testing. Allele origin: germline.
Comment: This sequence change creates a premature translational stop signal (p.Gln789*) in the FCHO1 gene. It is expected to result in an absent or disrupted protein product. Loss-of-function variants in FCHO1 are known to be pathogenic (PMID: 30822429). This variant is not present in population databases (gnomAD no frequency). This variant has not been reported in the literature in individuals affected with FCHO1-related conditions. For these reasons, this variant has been classified as Pathogenic.

Literature cited by the submitters: PubMed 30822429.